The following is an entry in ClinVar:

NM_001378609.3(OTOGL):c.4708A>G (p.Ile1570Val)

Gene: OTOGL (otogelin like; plus strand). Cytogenetic location: 12q21.31.
Variant type: single nucleotide variant.
Coding change: c.4708A>G on transcript NM_001378609.3 (MANE Select); coding-DNA position 4708, A replaced by G.
Protein change: p.Ile1570Val; replaces isoleucine 1570 with valine.
Molecular consequence: missense variant.
Genome position (GRCh38, 1-based): chr12:80,336,520, A>G. VCF-style: chr12-80336520-A-G. GRCh37 (hg19) VCF-style: chr12-80730300-A-G.
Other names: c.4573A>G, p.Ile1525Val (NM_001368062.3); c.4708A>G, p.Ile1570Val (NM_001378610.3, NM_173591.7); short protein forms I1525V, I1570V.
Identifiers: ClinVar variation 1210915 (VCV001210915.14), dbSNP rs374784341, ClinGen allele CA6701476.

ClinVar aggregate classification (germline): Benign/Likely benign. Review status: criteria provided, multiple submitters, no conflicts (2 of 4 stars). 4 submissions from 4 submitters: Benign (1); Likely benign (2). 1 of the submissions does not count toward it. Last evaluated 2025-12-15.

Conditions:
OTOGL-related disorder. Also called: OTOGL-related condition.

Allele frequency attached by ClinVar (database versions not stated): 1000 Genomes Project 0.00020; gnomAD exomes 0.00020 and 0.00047; ESP Exome Variant Server 0.00025; gnomAD 0.00029 and 0.00030; TOPMed 0.00031; ExAC 0.00042; 1000 Genomes Project 30x 0.00062.
gnomAD v4.1: 366 of 1,609,464 alleles (0.023%); highest among the groups gnomAD compares: East Asian, 0.19%; no homozygotes.

Submissions (4):

Labcorp Genetics (formerly Invitae), Labcorp
Classification: Benign. Last evaluated: 2025-12-15. Review status: criteria provided, single submitter. Criteria: Invitae Variant Classification Sherloc (09022015). Collection method: clinical testing. Allele origin: germline.

Blueprint Genetics
Classification: Likely benign. Last evaluated: 2024-10-30. Review status: criteria provided, single submitter. Criteria: ACMG Guidelines, 2015. Collection method: clinical testing. Allele origin: germline.

GeneDx
Classification: Likely benign. Last evaluated: 2020-12-01. Review status: criteria provided, single submitter. Criteria: GeneDx Variant Classification Process June 2021. Collection method: clinical testing. Allele origin: germline. Affected: yes.

PreventionGenetics, part of Exact Sciences
Classification: Likely benign for OTOGL-related condition. Last evaluated: 2020-03-02. Review status: no assertion criteria provided. Collection method: clinical testing. Allele origin: germline. Not counted in ClinVar's aggregate classification.
Comment: This variant is classified as likely benign based on ACMG/AMP sequence variant interpretation guidelines (Richards et al. 2015 PMID: 25741868, with internal and published modifications).